The following is an entry in ClinVar:

NM_201253.3(CRB1):c.3121A>G (p.Met1041Val)

Gene: CRB1 (crumbs cell polarity complex component 1; plus strand). Cytogenetic location: 1q31.3.
Variant type: single nucleotide variant.
Coding change: c.3121A>G on transcript NM_201253.3 (MANE Select); coding-DNA position 3121, A replaced by G.
Protein change: p.Met1041Val; replaces methionine 1041 with valine.
Molecular consequence: missense variant. On other transcripts: non-coding transcript variant (2), intron variant (1).
Genome position (GRCh38, 1-based): chr1:197,434,984, A>G. VCF-style: chr1-197434984-A-G. GRCh37 (hg19) VCF-style: chr1-197404114-A-G.
Other names: c.2785A>G, p.Met929Val (NM_001193640.2); c.3049A>G, p.Met1017Val (NM_001257965.2); c.2129-616A>G (NM_001257966.2); short protein forms M1041V, M1017V, M929V.
Identifiers: ClinVar variation 636016 (VCV000636016.9), dbSNP rs781705903, ClinGen allele CA1312280.

ClinVar aggregate classification (germline): Pathogenic/Likely pathogenic. Review status: criteria provided, multiple submitters, no conflicts (2 of 4 stars). 4 submissions from 4 submitters: Pathogenic (2); Likely pathogenic (1). 1 of the submissions does not count toward it. Last evaluated 2023-07-20.

Conditions:
Retinitis pigmentosa (RP). Identifiers: Orphanet 791, MedGen C0035334, MeSH D012174, MONDO:0019200, OMIM 268000. Inheritance: Autosomal dominant, autosomal recessive and X linked inheritance.
Retinal dystrophy. Also called: Inherited retinal dystrophy. Identifiers: Orphanet 71862, MedGen C0854723, MeSH D058499, MONDO:0019118, HP:0000556.
Leber congenital amaurosis 8 (LCA8). Identifiers: Orphanet 65, MedGen C3151202, MONDO:0013453, OMIM 613835.
Retinitis pigmentosa 12 (RP12). Also called: RP WITH OR WITHOUT PRESERVED PARAARTERIOLE RETINAL PIGMENT EPITHELIUM; RETINITIS PIGMENTOSA WITH OR WITHOUT PARAARTERIOLAR PRESERVATION OF RETINAL PIGMENT EPITHELIUM; RP WITH OR WITHOUT PPRPE. Identifiers: Orphanet 791, MedGen C1838647, MONDO:0010818, OMIM 600105.

Allele frequency attached by ClinVar (database versions not stated): gnomAD exomes below 0.00001 and 0.00001; TOPMed below 0.00001; ExAC 0.00001.

Submissions (4):

Baylor Genetics
Classification: Pathogenic for Leber congenital amaurosis 8. Last evaluated: 2023-07-20. Review status: criteria provided, single submitter. Criteria: ACMG Guidelines, 2015. Collection method: clinical testing. Allele origin: unknown.

Institute of Human Genetics, Univ. Regensburg, Univ. Regensburg
Classification: Likely pathogenic for Retinal dystrophy. Last evaluated: 2023-01-01. Review status: criteria provided, single submitter. Criteria: ACMG Guidelines, 2015. Collection method: clinical testing. Allele origin: germline. Affected: yes.

Labcorp Genetics (formerly Invitae), Labcorp
Classification: Pathogenic for Leber congenital amaurosis 8; Retinitis pigmentosa 12. Last evaluated: 2021-10-03. Review status: criteria provided, single submitter. Criteria: Invitae Variant Classification Sherloc (09022015). Collection method: clinical testing. Allele origin: germline.
Comment: For these reasons, this variant has been classified as Pathogenic. This variant disrupts the p.Met1041 amino acid residue in CRB1. Other variant(s) that disrupt this residue have been determined to be pathogenic (PMID: 10508521, 27380427). This suggests that this residue is clinically significant, and that variants that disrupt this residue are likely to be disease-causing. Algorithms developed to predict the effect of missense changes on protein structure and function are either unavailable or do not agree on the potential impact of this missense change (SIFT: "Deleterious"; PolyPhen-2: "Benign"; Align-GVGD: "Class C15"). This variant has been observed in individual(s) with inherited retinal dystrophy (PMID: 27113771, 29074561, 30543658). In at least one individual the data is consistent with the variant being in trans (on the opposite chromosome) from a pathogenic variant. ClinVar contains an entry for this variant (Variation ID: 636016). This variant is present in population databases (rs781705903, ExAC 0.001%). This sequence change replaces methionine with valine at codon 1041 of the CRB1 protein (p.Met1041Val). The methionine residue is highly conserved and there is a small physicochemical difference between methionine and valine.

Department of Clinical Genetics, Copenhagen University Hospital, Rigshospitalet
Classification: Likely pathogenic for Retinitis pigmentosa. Last evaluated: 2018-04-01. Review status: no assertion criteria provided. Collection method: research. Allele origin: unknown. Affected: yes. Study: VeluxRD. Not counted in ClinVar's aggregate classification.

Literature cited by the submitters: PubMed 27113771 (cited by Institute of Human Genetics, Univ. Regensburg, Univ. Regensburg and Labcorp Genetics (formerly Invitae), Labcorp); PubMed 30543658 (cited by Institute of Human Genetics, Univ. Regensburg, Univ. Regensburg and Labcorp Genetics (formerly Invitae), Labcorp); PubMed 29074561 (cited by Institute of Human Genetics, Univ. Regensburg, Univ. Regensburg and Labcorp Genetics (formerly Invitae), Labcorp); PubMed 31964843 (cited by Institute of Human Genetics, Univ. Regensburg, Univ. Regensburg); PubMed 33342761 (cited by Institute of Human Genetics, Univ. Regensburg, Univ. Regensburg); PubMed 10508521 (cited by Labcorp Genetics (formerly Invitae), Labcorp); PubMed 27380427 (cited by Labcorp Genetics (formerly Invitae), Labcorp); PubMed 30718709 (cited by Department of Clinical Genetics, Copenhagen University Hospital, Rigshospitalet).